The following is an entry in ClinVar:

NM_015346.4(ZFYVE26):c.432_433delinsA (p.Ser144fs)

Gene: ZFYVE26 (zinc finger FYVE-type containing 26; minus strand). Cytogenetic location: 14q24.1.
Variant type: Indel.
Coding change: c.432_433delinsA on transcript NM_015346.4 (MANE Select); coding-DNA positions 432 to 433, CT replaced by A.
Protein change: p.Ser144fs; shifts the reading frame from serine 144.
Molecular consequence: frameshift variant.
Genome position (GRCh38, 1-based): chr14:67,807,851-67,807,852, AG replaced by T on the plus strand (CT replaced by A on the coding strand, the reverse complement: ZFYVE26 is on the minus strand). VCF-style: chr14-67807851-AG-T. GRCh37 (hg19) VCF-style: chr14-68274568-AG-T.
Other names: short protein forms S144fs.
Identifiers: ClinVar variation 5015931 (VCV005015931.1).

ClinVar aggregate classification (germline): Pathogenic (1 of 4 stars; one submission).

Conditions:
Hereditary spastic paraplegia 15 (SPG15). Also called: SPASTIC PARAPLEGIA 15, AUTOSOMAL RECESSIVE; KJELLIN SYNDROME; SPASTIC PARAPLEGIA AND RETINAL DEGENERATION. Identifiers: Orphanet 100996, MedGen C1849128, MONDO:0010044, OMIM 270700.

Submission:

Myriad Genetics, Inc.
Classification: Pathogenic for Hereditary spastic paraplegia 15. Last evaluated: 2026-05-19. Review status: criteria provided, single submitter. Criteria: Myriad Autosomal Dominant, Autosomal Recessive and X-Linked Classification Criteria (2023). Collection method: clinical testing. Allele origin: unknown.
Comment: NM_015346.3(ZFYVE26):c.432_433delCTinsA(S144Rfs*18) is expected to be pathogenic in the context of spastic paraplegia type 15. This variant is predicted to lead to an abnormal or absent protein product due to the creation of a premature termination codon in ZFYVE26, a gene where loss-of-function variants are known to be pathogenic. Please note: this variant was assessed in the context of healthy population screening.